The following is an entry in ClinVar:

ClinVar aggregate classification (germline): Uncertain significance (1 of 4 stars; one submission).

Conditions:
Hereditary spastic paraplegia 11. Also called: Nakamura Osame syndrome; Autosomal recessive hereditary spastic paraplegia, mental impairment, and thin corpus callosum; Spastic Paraplegia 11; Spastic paraplegia, mental retardation and thin corpus callosum; SPASTIC PARAPLEGIA, AUTOSOMAL RECESSIVE, COMPLICATED, WITH THIN CORPUS CALLOSUM; SPASTIC PARAPLEGIA, AUTOSOMAL RECESSIVE, WITH MENTAL IMPAIRMENT AND THIN CORPUS CALLOSUM. Identifiers: Orphanet 2822, MedGen C1858479, MONDO:0011445, OMIM 604360.

Allele frequency attached by ClinVar (database versions not stated): gnomAD 0.00001; gnomAD exomes 0.00001 and 0.00002; TOPMed 0.00001; ExAC 0.00002.
gnomAD v4.1: 5 of 1,613,730 alleles (0.00031%); highest among the groups gnomAD compares: Admixed American, 0.0083%; no homozygotes.

Submission:

Labcorp Genetics (formerly Invitae), Labcorp
Classification: Uncertain significance for Hereditary spastic paraplegia 11. Last evaluated: 2022-07-06. Review status: criteria provided, single submitter. Criteria: Invitae Variant Classification Sherloc (09022015). Collection method: clinical testing. Allele origin: germline.
Comment: In summary, the available evidence is currently insufficient to determine the role of this variant in disease. Therefore, it has been classified as a Variant of Uncertain Significance. Algorithms developed to predict the effect of missense changes on protein structure and function are either unavailable or do not agree on the potential impact of this missense change (SIFT: "Tolerated"; PolyPhen-2: "Possibly Damaging"; Align-GVGD: "Class C0"). ClinVar contains an entry for this variant (Variation ID: 1429931). This variant has not been reported in the literature in individuals affected with SPG11-related conditions. This variant is present in population databases (rs752347098, gnomAD 0.01%). This sequence change replaces glutamic acid, which is acidic and polar, with lysine, which is basic and polar, at codon 720 of the SPG11 protein (p.Glu720Lys).

NM_025137.4(SPG11):c.2158G>A (p.Glu720Lys)

Gene: SPG11 (SPG11 vesicle trafficking associated, spatacsin; minus strand). Cytogenetic location: 15q21.1.
Variant type: single nucleotide variant.
Coding change: c.2158G>A on transcript NM_025137.4 (MANE Select); coding-DNA position 2158, G replaced by A.
Protein change: p.Glu720Lys; replaces glutamic acid 720 with lysine.
Molecular consequence: missense variant.
Genome position (GRCh38, 1-based): chr15:44,626,417, C>T on the plus strand (G>A on the coding strand, the complement: SPG11 is on the minus strand). VCF-style: chr15-44626417-C-T. GRCh37 (hg19) VCF-style: chr15-44918615-C-T.
Other names: c.2158G>A, p.Glu720Lys (NM_001160227.2); short protein forms E720K.
Identifiers: ClinVar variation 1429931 (VCV001429931.6), dbSNP rs752347098, ClinGen allele CA7535336.
Genomic context (GRCh38, chr15:44,626,417, plus strand): 5'-CCTTTATATTGTTCTTTTTTAAATTGTCAAAGACCAAATTTAGGCCTATGCCAATAAGCT[C>T]CTCAAGTTTTTGAGCAGAATGACTATCAATCCTGAAGAAAGTCTGTGCCTCTGGTATTTT-3'
Protein context (NP_079413.3, residues 710-730): IDSHSAQKLE[Glu720Lys]LIGIGLNLVF